The following is an entry in ClinVar:

NM_000410.4(HFE):c.677G>A (p.Arg226Gln)

Gene: HFE (homeostatic iron regulator; plus strand). Cytogenetic location: 6p22.2.
Variant type: single nucleotide variant.
Coding change: c.677G>A on transcript NM_000410.4 (MANE Select); coding-DNA position 677, G replaced by A.
Protein change: p.Arg226Gln; replaces arginine 226 with glutamine.
Molecular consequence: missense variant. On other transcripts: intron variant (1).
Genome position (GRCh38, 1-based): chr6:26,092,745, G>A. VCF-style: chr6-26092745-G-A. GRCh37 (hg19) VCF-style: chr6-26092973-G-A.
Other names: c.677G>A, p.Arg226Gln (NM_001300749.3, NM_001384164.1); c.668G>A, p.Arg223Gln (NM_001406751.1); c.413G>A, p.Arg138Gln (NM_001406752.1, NM_139007.3); c.359G>A, p.Arg120Gln (NM_139003.3); c.401G>A, p.Arg134Gln (NM_139004.3); c.635G>A, p.Arg212Gln (NM_139006.3); c.371G>A, p.Arg124Gln (NM_139008.3); c.608G>A, p.Arg203Gln (NM_139009.3); and 2 more; short protein forms R138Q, R212Q, R46Q, R134Q, R223Q, R120Q, R124Q, R203Q.
Identifiers: ClinVar variation 2379363 (VCV002379363.3), dbSNP rs746127216, ClinGen allele CA3666716.
Genomic context (GRCh38, chr6:26,092,745, plus strand): 5'-TGCCTCCTTTGGTGAAGGTGACACATCATGTGACCTCTTCAGTGACCACTCTACGGTGTC[G>A]GGCCTTGAACTACTACCCCCAGAACATCACCATGAAGTGGCTGAAGGATAAGCAGCCAAT-3'
Protein context (NP_000401.1, residues 216-236): VTSSVTTLRC[Arg226Gln]ALNYYPQNIT

ClinVar aggregate classification (germline): Conflicting classifications of pathogenicity. Review status: criteria provided, conflicting classifications (1 of 4 stars). 2 submissions from 2 submitters: Uncertain significance (1); Likely benign (1). Last evaluated 2025-03-29.

Conditions:
Inborn genetic diseases. Identifiers: MedGen C0950123, MeSH D030342.
Hereditary hemochromatosis (HFE). Identifiers: MedGen C0392514, MONDO:0006507. Disease mechanism: loss of function.

Allele frequency attached by ClinVar (database versions not stated): ExAC 0.00002; gnomAD 0.00003; TOPMed 0.00003.
gnomAD v4.1: 70 of 1,614,040 alleles (0.0043%); highest among the groups gnomAD compares: Admixed American, 0.01%; no homozygotes.

Submissions (2):

Labcorp Genetics (formerly Invitae), Labcorp
Classification: Uncertain significance for Hereditary hemochromatosis. Last evaluated: 2025-03-29. Review status: criteria provided, single submitter. Criteria: Invitae Variant Classification Sherloc (09022015). Collection method: clinical testing. Allele origin: germline.
Comment: This sequence change replaces arginine, which is basic and polar, with glutamine, which is neutral and polar, at codon 226 of the HFE protein (p.Arg226Gln). This variant is present in population databases (rs746127216, gnomAD 0.01%). This variant has not been reported in the literature in individuals affected with HFE-related conditions. ClinVar contains an entry for this variant (Variation ID: 2379363). Invitae Evidence Modeling of protein sequence and biophysical properties (such as structural, functional, and spatial information, amino acid conservation, physicochemical variation, residue mobility, and thermodynamic stability) indicates that this missense variant is not expected to disrupt HFE protein function with a negative predictive value of 80%. In summary, the available evidence is currently insufficient to determine the role of this variant in disease. Therefore, it has been classified as a Variant of Uncertain Significance.

Ambry Genetics
Classification: Likely benign for Inborn genetic diseases. Last evaluated: 2021-12-07. Review status: criteria provided, single submitter. Criteria: Ambry Variant Classification Scheme 2023. Collection method: clinical testing. Allele origin: germline.